The following is an entry in ClinVar:

NM_001451.3(FOXF1):c.98C>A (p.Pro33Gln)

Gene: FOXF1 (forkhead box F1; plus strand). Cytogenetic location: 16q24.1.
Variant type: single nucleotide variant.
Coding change: c.98C>A on transcript NM_001451.3 (MANE Select); coding-DNA position 98, C replaced by A.
Protein change: p.Pro33Gln; replaces proline 33 with glutamine.
Molecular consequence: missense variant.
Genome position (GRCh38, 1-based): chr16:86,510,667, C>A. VCF-style: chr16-86510667-C-A. GRCh37 (hg19) VCF-style: chr16-86544273-C-A.
Other names: short protein forms P33Q.
Identifiers: ClinVar variation 1437741 (VCV001437741.6), dbSNP rs754117677, ClinGen allele CA397005229.
Genomic context (GRCh38, chr16:86,510,667, plus strand): 5'-GCGGCGGCGGCGGCGGCGGCGGGGGAGGCGGCGCGGCCATGGACCCCGCGTCGTCCGGCC[C>A]GTCCAAGGCCAAGAAGACCAACGCCGGCATCCGGCGCCCGGAGAAGCCGCCCTATTCCTA-3'
Protein context (NP_001442.2, residues 23-43): GAAMDPASSG[Pro33Gln]SKAKKTNAGI

ClinVar aggregate classification (germline): Uncertain significance (1 of 4 stars; one submission).

gnomAD v4.1: 2 of 1,609,270 alleles (0.00012%); highest among the groups gnomAD compares: Non-Finnish European, 0.00017%; no homozygotes.

Submission:

Labcorp Genetics (formerly Invitae), Labcorp
Classification: Uncertain significance. Last evaluated: 2021-12-02. Review status: criteria provided, single submitter. Criteria: Invitae Variant Classification Sherloc (09022015). Collection method: clinical testing. Allele origin: germline.
Comment: In summary, the available evidence is currently insufficient to determine the role of this variant in disease. Therefore, it has been classified as a Variant of Uncertain Significance. Algorithms developed to predict the effect of sequence changes on RNA splicing suggest that this variant may create or strengthen a splice site. Algorithms developed to predict the effect of missense changes on protein structure and function output the following: SIFT: "Deleterious"; PolyPhen-2: "Benign"; Align-GVGD: "Class C0". The glutamine amino acid residue is found in multiple mammalian species, which suggests that this missense change does not adversely affect protein function. This variant has not been reported in the literature in individuals affected with FOXF1-related conditions. This variant is not present in population databases (gnomAD no frequency). This sequence change replaces proline, which is neutral and non-polar, with glutamine, which is neutral and polar, at codon 33 of the FOXF1 protein (p.Pro33Gln).